The following is an entry in ClinVar:

NM_012082.4(ZFPM2):c.3262G>A (p.Glu1088Lys)

Genes: ZFPM2 (zinc finger protein, FOG family member 2; plus strand), ZFPM2-AS1 (ZFPM2 antisense RNA 1; minus strand), LOC126860469 (BRD4-independent group 4 enhancer GRCh37_chr8:106814445-106815644; plus strand). Cytogenetic location: 8q23.1.
Variant type: single nucleotide variant.
Coding change: c.3262G>A on transcript NM_012082.4 (MANE Select); coding-DNA position 3262, G replaced by A.
Protein change: p.Glu1088Lys; replaces glutamic acid 1088 with lysine.
Molecular consequence: missense variant.
Genome position (GRCh38, 1-based): chr8:105,803,344, G>A. VCF-style: chr8-105803344-G-A. GRCh37 (hg19) VCF-style: chr8-106815572-G-A.
Other names: c.3103G>A, p.Glu1035Lys (NM_001362836.2); c.2866G>A, p.Glu956Lys (NM_001362837.2); short protein forms E1088K, E956K, E1035K.
Identifiers: ClinVar variation 2982770 (VCV002982770.3), dbSNP rs2488165601, ClinGen allele CA371957071.

ClinVar aggregate classification (germline): Uncertain significance (1 of 4 stars; one submission).

Conditions:
46,XY sex reversal 9 (SRXY9). Also called: 46,XY SEX REVERSAL, ZFPM2-RELATED. Identifiers: Orphanet 251510, MedGen C4015129, MONDO:0014480, OMIM 616067.

Submission:

Labcorp Genetics (formerly Invitae), Labcorp
Classification: Uncertain significance for 46,XY sex reversal 9. Last evaluated: 2023-12-14. Review status: criteria provided, single submitter. Criteria: Invitae Variant Classification Sherloc (09022015). Collection method: clinical testing. Allele origin: germline.
Comment: This sequence change replaces glutamic acid, which is acidic and polar, with lysine, which is basic and polar, at codon 1088 of the ZFPM2 protein (p.Glu1088Lys). This variant is not present in population databases (gnomAD no frequency). This variant has not been reported in the literature in individuals affected with ZFPM2-related conditions. An algorithm developed to predict the effect of missense changes on protein structure and function (PolyPhen-2) suggests that this variant is likely to be tolerated. In summary, the available evidence is currently insufficient to determine the role of this variant in disease. Therefore, it has been classified as a Variant of Uncertain Significance.